The following is an entry in ClinVar:

NM_014915.3(ANKRD26):c.3609_3612del (p.Glu1205fs)

Gene: ANKRD26 (ankyrin repeat domain 26; minus strand). Cytogenetic location: 10p12.1.
Variant type: Deletion.
Coding change: c.3609_3612del on transcript NM_014915.3 (MANE Select); coding-DNA positions 3609 to 3612, 4 bases deleted (AAAA; older notation c.3609_3612delAAAA).
Protein change: p.Glu1205fs; shifts the reading frame from glutamic acid 1205.
Molecular consequence: frameshift variant.
Genome position (GRCh38, 1-based): chr10:27,034,838-27,034,841, TTTT deleted on the plus strand (AAAA on the coding strand, the reverse complement: ANKRD26 is on the minus strand). VCF-style (leftmost placement, unchanged base first): chr10-27034837-CTTTT-C. GRCh37 (hg19) VCF-style: chr10-27323766-CTTTT-C.
Other names: c.3606_3609del, p.Glu1204fs (NM_001256053.2); short protein forms E1204fs, E1205fs.
Identifiers: ClinVar variation 2728655 (VCV002728655.4), dbSNP rs772565417, ClinGen allele CA5448013.

ClinVar aggregate classification (germline): Uncertain significance. Review status: criteria provided, single submitter (1 of 4 stars). 2 submissions from 2 submitters: Uncertain significance (1). 1 of the submissions does not count toward it. Last evaluated 2024-07-08.

Conditions:
ANKRD26-related disorder. Also called: ANKRD26-related condition.

Allele frequency attached by ClinVar (database versions not stated): ExAC 0.00001; gnomAD 0.00001; gnomAD exomes 0.00001; TOPMed 0.00001.

Submissions (2):

Labcorp Genetics (formerly Invitae), Labcorp
Classification: Uncertain significance. Last evaluated: 2024-07-08. Review status: criteria provided, single submitter. Criteria: Invitae Variant Classification Sherloc (09022015). Collection method: clinical testing. Allele origin: germline.
Comment: This sequence change creates a premature translational stop signal (p.Glu1205Aspfs*16) in the ANKRD26 gene. It is expected to result in an absent or disrupted protein product. However, the current clinical and genetic evidence is not sufficient to establish whether loss-of-function variants in ANKRD26 cause disease. This variant is present in population databases (rs772565417, gnomAD 0.02%). This variant has not been reported in the literature in individuals affected with ANKRD26-related conditions. In summary, the available evidence is currently insufficient to determine the role of this variant in disease. Therefore, it has been classified as a Variant of Uncertain Significance.

PreventionGenetics, part of Exact Sciences
Classification: Uncertain significance for ANKRD26-related condition. Last evaluated: 2024-05-17. Review status: no assertion criteria provided. Collection method: clinical testing. Allele origin: germline. Not counted in ClinVar's aggregate classification.
Comment: The ANKRD26 c.3609_3612delAAAA variant is predicted to result in a frameshift and premature protein termination (p.Glu1205Aspfs*16). To our knowledge, this variant has not been reported in the literature. This variant is reported in 0.020% of alleles in individuals of Latino descent in gnomAD. Loss of function is not an established mechanism of ANKRD26-related disease. Although we suspect that this variant may be pathogenic, at this time, the clinical significance of this variant is uncertain due to the absence of conclusive functional and genetic evidence.